The following is an entry in ClinVar:

NM_004407.4(DMP1):c.1401C>A (p.Asn467Lys)

Genes: DMP1 (dentin matrix acidic phosphoprotein 1; plus strand), DMP1-AS1 (DMP1 and DSPP antisense RNA 1; minus strand). Cytogenetic location: 4q22.1.
Variant type: single nucleotide variant.
Coding change: c.1401C>A on transcript NM_004407.4 (MANE Select); coding-DNA position 1401, C replaced by A.
Protein change: p.Asn467Lys; replaces asparagine 467 with lysine.
Molecular consequence: missense variant.
Genome position (GRCh38, 1-based): chr4:87,663,179, C>A. VCF-style: chr4-87663179-C-A. GRCh37 (hg19) VCF-style: chr4-88584331-C-A.
Other names: c.1353C>A, p.Asn451Lys (NM_001079911.3); short protein forms N467K, N451K.
Identifiers: ClinVar variation 2753107 (VCV002753107.3), dbSNP rs1364914176, ClinGen allele CA357701744.

ClinVar aggregate classification (germline): Uncertain significance (1 of 4 stars; one submission).

Submission:

Labcorp Genetics (formerly Invitae), Labcorp
Classification: Uncertain significance. Last evaluated: 2023-08-16. Review status: criteria provided, single submitter. Criteria: Invitae Variant Classification Sherloc (09022015). Collection method: clinical testing. Allele origin: germline.
Comment: This sequence change replaces asparagine, which is neutral and polar, with lysine, which is basic and polar, at codon 467 of the DMP1 protein (p.Asn467Lys). This variant is not present in population databases (gnomAD no frequency). This variant has not been reported in the literature in individuals affected with DMP1-related conditions. Advanced modeling of protein sequence and biophysical properties (such as structural, functional, and spatial information, amino acid conservation, physicochemical variation, residue mobility, and thermodynamic stability) performed at Invitae indicates that this missense variant is not expected to disrupt DMP1 protein function. In summary, the available evidence is currently insufficient to determine the role of this variant in disease. Therefore, it has been classified as a Variant of Uncertain Significance.